The following is an entry in ClinVar:

NM_022437.3(ABCG8):c.1763C>A (p.Ala588Glu)

Gene: ABCG8 (ATP binding cassette subfamily G member 8; plus strand). Cytogenetic location: 2p21.
Variant type: single nucleotide variant.
Coding change: c.1763C>A on transcript NM_022437.3 (MANE Select); coding-DNA position 1763, C replaced by A.
Protein change: p.Ala588Glu; replaces alanine 588 with glutamic acid.
Molecular consequence: missense variant.
Genome position (GRCh38, 1-based): chr2:43,877,567, C>A. VCF-style: chr2-43877567-C-A. GRCh37 (hg19) VCF-style: chr2-44104706-C-A.
Other names: p.Ala588Glu; c.1760C>A, p.Ala587Glu (NM_001357321.2); short protein forms A588E, A587E.
Identifiers: ClinVar variation 497879 (VCV000497879.20), dbSNP rs377433853, ClinGen allele CA1637660.

ClinVar aggregate classification (germline): Uncertain significance. Review status: criteria provided, multiple submitters, no conflicts (2 of 4 stars). 7 submissions from 7 submitters: Uncertain significance (6). 1 of the submissions does not count toward it. Last evaluated 2025-06-11.

Conditions:
ABCG8-related disorder. Also called: ABCG8-related condition.
Sitosterolemia 1. Identifiers: MedGen C2749759, MONDO:0020747, OMIM 210250.
Gallbladder disease 4 (GBD4). Identifiers: MedGen C1969115, MONDO:1010151, OMIM 611465.
Cardiovascular phenotype. Identifiers: MedGen CN230736.

Allele frequency attached by ClinVar (database versions not stated): ExAC 0.00008; gnomAD 0.00007 and 0.00009; 1000 Genomes Project 30x 0.00016; gnomAD exomes 0.00010; TOPMed 0.00010; 1000 Genomes Project 0.00020.
gnomAD v4.1: 104 of 1,613,944 alleles (0.0064%); highest among the groups gnomAD compares: East Asian, 0.1%; 1 homozygote.

Submissions (7):

Ambry Genetics
Classification: Uncertain significance for Cardiovascular phenotype. Last evaluated: 2025-06-11. Review status: criteria provided, single submitter. Criteria: Ambry Variant Classification Scheme 2023. Collection method: clinical testing. Allele origin: germline.
Comment: The p.A588E variant (also known as c.1763C>A), located in coding exon 12 of the ABCG8 gene, results from a C to A substitution at nucleotide position 1763. The alanine at codon 588 is replaced by glutamic acid, an amino acid with dissimilar properties. This variant has been detected in familial hypercholesterolemia (FH) cohorts (Tada H et al. J Clin Lipidol Aug;12:1436-1444; Reeskamp LF et al. J Clin Lipidol. 2020 Jan;14(2):207-217.e7). This amino acid position is poorly conserved in available vertebrate species. In addition, this alteration is predicted to be tolerated by in silico analysis. Based on the available evidence, the clinical significance of this variant remains unclear.

Mayo Clinic Laboratories, Mayo Clinic
Classification: Uncertain significance. Last evaluated: 2024-12-06. Review status: criteria provided, single submitter. Criteria: ACMG Guidelines, 2015. Collection method: clinical testing. Allele origin: germline. Observed: 2 variant alleles.
Comment: BP4

Revvity Omics, Revvity
Classification: Uncertain significance for Sitosterolemia 1. Last evaluated: 2024-03-20. Review status: criteria provided, single submitter. Criteria: ACMG Guidelines, 2015. Collection method: clinical testing. Allele origin: germline.

Labcorp Genetics (formerly Invitae), Labcorp
Classification: Uncertain significance. Last evaluated: 2022-07-06. Review status: criteria provided, single submitter. Criteria: Invitae Variant Classification Sherloc (09022015). Collection method: clinical testing. Allele origin: germline.
Comment: This sequence change replaces alanine, which is neutral and non-polar, with glutamic acid, which is acidic and polar, at codon 588 of the ABCG8 protein (p.Ala588Glu). This variant is present in population databases (rs377433853, gnomAD 0.1%). This missense change has been observed in individual(s) with coronary artery disease and/or familial hypercholesterolemia (PMID: 30241732, 32088153). ClinVar contains an entry for this variant (Variation ID: 497879). Algorithms developed to predict the effect of missense changes on protein structure and function are either unavailable or do not agree on the potential impact of this missense change (SIFT: "Tolerated"; PolyPhen-2: "Possibly Damaging"; Align-GVGD: "Class C0"). In summary, the available evidence is currently insufficient to determine the role of this variant in disease. Therefore, it has been classified as a Variant of Uncertain Significance.

Fulgent Genetics
Classification: Uncertain significance for Sitosterolemia 1; Gallbladder disease 4. Last evaluated: 2022-02-25. Review status: criteria provided, single submitter. Criteria: ACMG Guidelines, 2015. Collection method: clinical testing. Allele origin: unknown.

Eurofins Ntd Llc (ga)
Classification: Uncertain significance. Last evaluated: 2018-06-05. Review status: criteria provided, single submitter. Criteria: EGL ClinVar v180209 classification definitions. Collection method: clinical testing. Allele origin: germline. Observed: 6 variant alleles, 6 heterozygotes.

PreventionGenetics, part of Exact Sciences
Classification: Uncertain significance for ABCG8-related condition. Last evaluated: 2024-09-23. Review status: no assertion criteria provided. Collection method: clinical testing. Allele origin: germline. Not counted in ClinVar's aggregate classification.
Comment: The ABCG8 c.1763C>A variant is predicted to result in the amino acid substitution p.Ala588Glu. This variant has been reported in the heterozygous state in individuals with familial hypercholesterolemia (Supplemental Table 5, Tada et al. 2018. PubMed ID: 30241732; Supplementary Table 4, Reeskamp et al. 2020. PubMed ID: 32088153). This variant is reported in 0.12% of alleles in individuals of East Asian descent in gnomAD. At this time, the clinical significance of this variant is uncertain due to the absence of conclusive functional and genetic evidence.

Literature cited by the submitters: PubMed 30241732 (cited by Ambry Genetics and Labcorp Genetics (formerly Invitae), Labcorp); PubMed 32088153 (cited by 3 submitters); PubMed 31901240 (cited by Mayo Clinic Laboratories, Mayo Clinic).